The following is an entry in ClinVar:

ClinVar aggregate classification (germline): Uncertain significance (1 of 4 stars; one submission).

gnomAD v4.1: 1 of 1,614,182 alleles (0.000062%); highest among the groups gnomAD compares: Admixed American, 0.0017%; no homozygotes.

Submission:

Ambry Genetics
Classification: Uncertain significance. Last evaluated: 2024-05-23. Review status: criteria provided, single submitter. Criteria: Ambry Variant Classification Scheme 2023. Collection method: clinical testing. Allele origin: germline.
Comment: The p.N326K variant (also known as c.978C>G), located in coding exon 3 of the TERF2IP gene, results from a C to G substitution at nucleotide position 978. The asparagine at codon 326 is replaced by lysine, an amino acid with similar properties. This amino acid position is conserved. In addition, this alteration is predicted to be tolerated by in silico analysis. Since supporting evidence is limited at this time, the clinical significance of this alteration remains unclear.

NM_018975.4(TERF2IP):c.978C>G (p.Asn326Lys)

Gene: TERF2IP (TERF2 interacting protein; plus strand). Cytogenetic location: 16q23.1.
Variant type: single nucleotide variant.
Coding change: c.978C>G on transcript NM_018975.4 (MANE Select); coding-DNA position 978, C replaced by G.
Protein change: p.Asn326Lys; replaces asparagine 326 with lysine.
Molecular consequence: missense variant. On other transcripts: non-coding transcript variant (1).
Genome position (GRCh38, 1-based): chr16:75,656,389, C>G. VCF-style: chr16-75656389-C-G. GRCh37 (hg19) VCF-style: chr16-75690287-C-G.
Other names: short protein forms N326K.
Identifiers: ClinVar variation 1768194 (VCV001768194.3), dbSNP rs1187298566, ClinGen allele CA396820004.